The following is an entry in ClinVar:

NM_014629.4(ARHGEF10):c.3815_3819del (p.Leu1272fs)

Gene: ARHGEF10 (Rho guanine nucleotide exchange factor 10; plus strand). Cytogenetic location: 8p23.3.
Variant type: Deletion.
Coding change: c.3815_3819del on transcript NM_014629.4 (MANE Select); coding-DNA positions 3815 to 3819, 5 bases deleted (TAGAG; older notation c.3815_3819delTAGAG).
Protein change: p.Leu1272fs; shifts the reading frame from leucine 1272.
Molecular consequence: frameshift variant.
Genome position (GRCh38, 1-based): chr8:1,957,043-1,957,047, TAGAG deleted. VCF-style (leftmost placement, unchanged base first): chr8-1957042-CTAGAG-C. GRCh37 (hg19) VCF-style: chr8-1905208-CTAGAG-C.
Other names: c.3815_3819delTAGAG, p.Leu1272Profs (NM_001308153.3); c.3701_3705del, p.Leu1234fs (NM_001308152.2); short protein forms L1234fs, L1272fs, L1296fs.
Identifiers: ClinVar variation 3715278 (VCV003715278.2).
Genomic context (GRCh38, chr8:1,957,042, plus strand): 5'-CAGAAAAGCGACCTGTCCTCCTCATCTGGGTCCCTGAGCTTGTCTCACGGCTCCAGCTCT[CTAGAG>C]CACAGATCAGAGGACAGCACCATCTATGATCTCCTGAAGGATCCTGTCTCGCTGAGAAGC-3'

ClinVar aggregate classification (germline): Uncertain significance (1 of 4 stars; one submission).

Submission:

Labcorp Genetics (formerly Invitae), Labcorp
Classification: Uncertain significance. Last evaluated: 2024-12-11. Review status: criteria provided, single submitter. Criteria: Invitae Variant Classification Sherloc (09022015). Collection method: clinical testing. Allele origin: germline.
Comment: This sequence change creates a premature translational stop signal (p.Leu1272Profs*10) in the ARHGEF10 gene. While this is not anticipated to result in nonsense mediated decay, it is expected to disrupt the last 73 amino acid(s) of the ARHGEF10 protein. This variant is present in population databases (rs763094041, gnomAD 0.003%). This variant has not been reported in the literature in individuals affected with ARHGEF10-related conditions. Experimental studies and prediction algorithms are not available or were not evaluated, and the functional significance of this variant is currently unknown. In summary, the available evidence is currently insufficient to determine the role of this variant in disease. Therefore, it has been classified as a Variant of Uncertain Significance.